The following is an entry in ClinVar:

ClinVar aggregate classification (germline): Uncertain significance. Review status: criteria provided, multiple submitters, no conflicts (2 of 4 stars). 6 submissions from 6 submitters: Uncertain significance (6). Last evaluated 2024-07-29.

Conditions:
Xeroderma pigmentosum, group F (XPF). Also called: XERODERMA PIGMENTOSUM, COMPLEMENTATION GROUP F; ERCC4-Related Xeroderma Pigmentosum; XERODERMA PIGMENTOSUM, TYPE F; Xeroderma pigmentosum, type 6; XERODERMA PIGMENTOSUM VI; XP, GROUP F. Identifiers: MedGen C0268140, MONDO:0010215, OMIM 278760.
Cockayne syndrome. Identifiers: Orphanet 191, MedGen C0009207, MONDO:0016006.
Fanconi anemia complementation group Q. Identifiers: Orphanet 84, MedGen C3808988, MONDO:0014108, OMIM 615272.
XFE progeroid syndrome (XFEPS). Also called: XPF-ERCC1 PROGEROID SYNDROME. Identifiers: MedGen C1970416, MONDO:0012590, OMIM 610965.
Xeroderma pigmentosum (XP). Identifiers: Orphanet 910, MedGen C0043346, MONDO:0019600.

Allele frequency attached by ClinVar (database versions not stated): TOPMed 0.00010; gnomAD 0.00011 and 0.00012; ExAC 0.00006; gnomAD exomes 0.00007 and 0.00014; ESP Exome Variant Server 0.00008.
gnomAD v4.1: 221 of 1,614,112 alleles (0.014%); highest among the groups gnomAD compares: Non-Finnish European, 0.018%; no homozygotes.

Submissions (6):

Blueprint Genetics
Classification: Uncertain significance. Last evaluated: 2024-07-29. Review status: criteria provided, single submitter. Criteria: ACMG Guidelines, 2015. Collection method: clinical testing. Allele origin: germline.

Labcorp Genetics (formerly Invitae), Labcorp
Classification: Uncertain significance for Fanconi anemia complementation group Q; Xeroderma pigmentosum, group F; Cockayne syndrome. Last evaluated: 2024-03-02. Review status: criteria provided, single submitter. Criteria: Invitae Variant Classification Sherloc (09022015). Collection method: clinical testing. Allele origin: germline.
Comment: This sequence change replaces isoleucine, which is neutral and non-polar, with threonine, which is neutral and polar, at codon 729 of the ERCC4 protein (p.Ile729Thr). This variant is present in population databases (rs375860375, gnomAD 0.02%). This variant has not been reported in the literature in individuals affected with ERCC4-related conditions. ClinVar contains an entry for this variant (Variation ID: 647874). Advanced modeling of protein sequence and biophysical properties (such as structural, functional, and spatial information, amino acid conservation, physicochemical variation, residue mobility, and thermodynamic stability) performed at Invitae indicates that this missense variant is not expected to disrupt ERCC4 protein function with a negative predictive value of 80%. In summary, the available evidence is currently insufficient to determine the role of this variant in disease. Therefore, it has been classified as a Variant of Uncertain Significance.

Department of Pathology and Laboratory Medicine, Sinai Health System
Classification: Uncertain significance for Xeroderma pigmentosum, group F; XFE progeroid syndrome; Fanconi anemia complementation group Q. Last evaluated: 2023-06-12. Review status: criteria provided, single submitter. Criteria: ACMG Guidelines, 2015. Collection method: research. Allele origin: germline.

Fulgent Genetics
Classification: Uncertain significance for Xeroderma pigmentosum, group F; XFE progeroid syndrome; Fanconi anemia complementation group Q. Last evaluated: 2021-12-11. Review status: criteria provided, single submitter. Criteria: ACMG Guidelines, 2015. Collection method: clinical testing. Allele origin: unknown.

Sema4
Classification: Uncertain significance for Xeroderma pigmentosum. Last evaluated: 2021-08-24. Review status: criteria provided, single submitter. Criteria: Sema4 Curation Guidelines. Collection method: curation. Allele origin: germline.
Comment: The ERCC4 c.2186T>C (p.I729T) variant not been reported in literature to our knowledge. This variant was observed in 18/129132 chromosomes in the Non-Finnish European population according to the Genome Aggregation Database (PMID: 32461654). This variant has been reported in ClinVar (Variation ID 647874). Functional studies have not been performed, and in silico predictions of the variant's effect on protein function are inconclusive. The overall evidence is insufficient to meet ACMG/AMP criteria for classifying it as benign or pathogenic. In summary, the clinical significance of this variant is currently uncertain.

Genetic Services Laboratory, University of Chicago
Classification: Uncertain significance. Last evaluated: 2018-03-21. Review status: criteria provided, single submitter. Criteria: ACMG Guidelines, 2015. Collection method: clinical testing. Allele origin: germline. Affected: no.

NM_005236.3(ERCC4):c.2186T>C (p.Ile729Thr)

Gene: ERCC4 (ERCC excision repair 4, endonuclease catalytic subunit; plus strand). Cytogenetic location: 16p13.12.
Variant type: single nucleotide variant.
Coding change: c.2186T>C on transcript NM_005236.3 (MANE Select); coding-DNA position 2186, T replaced by C.
Protein change: p.Ile729Thr; replaces isoleucine 729 with threonine.
Molecular consequence: missense variant.
Genome position (GRCh38, 1-based): chr16:13,947,782, T>C. VCF-style: chr16-13947782-T-C. GRCh37 (hg19) VCF-style: chr16-14041639-T-C.
Other names: short protein forms I729T.
Identifiers: ClinVar variation 647874 (VCV000647874.16), dbSNP rs375860375, ClinGen allele CA7910697.